The following is an entry in ClinVar:

NM_004408.4(DNM1):c.1558-315A>G

Gene: DNM1 (dynamin 1; plus strand). Cytogenetic location: 9q34.11.
Variant type: single nucleotide variant.
Coding change: c.1558-315A>G on transcript NM_004408.4 (MANE Select); 315 bases into the intron before coding-DNA position 1558, A replaced by G.
Molecular consequence: intron variant.
Genome position (GRCh38, 1-based): chr9:128,241,917, A>G. VCF-style: chr9-128241917-A-G. GRCh37 (hg19) VCF-style: chr9-131004196-A-G.
Other names: c.1558-315A>G (NM_001005336.3, NM_001288738.2, NM_001288737.2 and 1 more transcripts).
Identifiers: ClinVar variation 680608 (VCV000680608.1), dbSNP rs76021274, ClinGen allele CA13127257.
Genomic context (GRCh38, chr9:128,241,917, plus strand): 5'-GAAACACATCTCAGAACAGATGAGACCTTAAGCTTCCAAGACTCGCAGTTGGCTTCCCCA[A>G]TCGGCCCCATAAACTCTGCTTGCATACTTTTAGTGACAGGGAGCTCATCCCCTACCCAGG-3'

ClinVar aggregate classification (germline): Benign (1 of 4 stars; one submission).

Allele frequency attached by ClinVar (database versions not stated): 1000 Genomes Project 30x 0.01593; 1000 Genomes Project 0.01597; TOPMed 0.02887; gnomAD 0.03232 and 0.03318.
gnomAD v4.1: 4,916 of 152,308 alleles (3.2%); highest among the groups gnomAD compares: Non-Finnish European, 4.5%; 105 homozygotes.

Submission:

GeneDx
Classification: Benign. Last evaluated: 2018-06-16. Review status: criteria provided, single submitter. Criteria: GeneDx Variant Classification (06012015). Collection method: clinical testing. Allele origin: germline. Affected: yes.
Comment: This variant is considered likely benign or benign based on one or more of the following criteria: it is a conservative change, it occurs at a poorly conserved position in the protein, it is predicted to be benign by multiple in silico algorithms, and/or has population frequency not consistent with disease.